The following is an entry in ClinVar:

ClinVar aggregate classification (germline): Uncertain significance. Review status: criteria provided, single submitter (1 of 4 stars). 2 submissions from 2 submitters: Uncertain significance (1). 1 of the submissions does not count toward it. Last evaluated 2018-01-12.

Conditions:
GRIP1-related disorder. Also called: GRIP1-related condition.
Fraser syndrome 3. Identifiers: MedGen C4540040, MONDO:0054739, OMIM 617667.

Allele frequency attached by ClinVar (database versions not stated): gnomAD 0.00032 and 0.00035; TOPMed 0.00040.
gnomAD v4.1: 48 of 151,346 alleles (0.032%); highest among the groups gnomAD compares: African/African-American, 0.11%; no homozygotes.

Submissions (2):

Illumina Laboratory Services, Illumina
Classification: Uncertain significance for Fraser syndrome 3. Last evaluated: 2018-01-12. Review status: criteria provided, single submitter. Criteria: ICSL Variant Classification Criteria 13 December 2019. Collection method: clinical testing. Allele origin: germline.

PreventionGenetics, part of Exact Sciences
Classification: Likely benign for GRIP1-related condition. Last evaluated: 2021-08-09. Review status: no assertion criteria provided. Collection method: clinical testing. Allele origin: germline. Not counted in ClinVar's aggregate classification.
Comment: This variant is classified as likely benign based on ACMG/AMP sequence variant interpretation guidelines (Richards et al. 2015 PMID: 25741868, with internal and published modifications).

NM_001366722.1(GRIP1):c.*1262T>A

Gene: GRIP1 (glutamate receptor interacting protein 1; minus strand). Cytogenetic location: 12q14.3.
Variant type: single nucleotide variant.
Coding change: c.*1262T>A on transcript NM_001366722.1 (MANE Select); 1262 bases downstream of the stop codon, T replaced by A.
Molecular consequence: 3 prime UTR variant.
Genome position (GRCh38, 1-based): chr12:66,347,757, A>T on the plus strand (T>A on the coding strand, the complement: GRIP1 is on the minus strand). VCF-style: chr12-66347757-A-T. GRCh37 (hg19) VCF-style: chr12-66741537-A-T.
Other names: c.*1262T>A (NM_001178074.2, NM_001366723.1, NM_001366724.1 and 1 more transcripts).
Identifiers: ClinVar variation 310276 (VCV000310276.7), dbSNP rs886049791, ClinGen allele CA10638420.